The following is an entry in ClinVar:

ClinVar aggregate classification (germline): Uncertain significance. Review status: criteria provided, multiple submitters, no conflicts (2 of 4 stars). 2 submissions from 2 submitters: Uncertain significance (2). Last evaluated 2025-05-05.

Conditions:
Inborn genetic diseases. Identifiers: MedGen C0950123, MeSH D030342.

Allele frequency attached by ClinVar (database versions not stated): gnomAD exomes below 0.00001 and 0.00001; gnomAD 0.00001; TOPMed 0.00001.

Submissions (2):

Labcorp Genetics (formerly Invitae), Labcorp
Classification: Uncertain significance. Last evaluated: 2025-05-05. Review status: criteria provided, single submitter. Criteria: Invitae Variant Classification Sherloc (09022015). Collection method: clinical testing. Allele origin: germline.
Comment: This sequence change replaces glycine, which is neutral and non-polar, with glutamic acid, which is acidic and polar, at codon 874 of the RBP3 protein (p.Gly874Glu). This variant is present in population databases (no rsID available, gnomAD 0.002%). This variant has not been reported in the literature in individuals affected with RBP3-related conditions. ClinVar contains an entry for this variant (Variation ID: 1027122). Invitae Evidence Modeling of protein sequence and biophysical properties (such as structural, functional, and spatial information, amino acid conservation, physicochemical variation, residue mobility, and thermodynamic stability) has been performed for this missense variant. However, the output from this modeling did not meet the statistical confidence thresholds required to predict the impact of this variant on RBP3 protein function. In summary, the available evidence is currently insufficient to determine the role of this variant in disease. Therefore, it has been classified as a Variant of Uncertain Significance.

Ambry Genetics
Classification: Uncertain significance for Inborn genetic diseases. Last evaluated: 2022-04-07. Review status: criteria provided, single submitter. Criteria: Ambry Variant Classification Scheme 2023. Collection method: clinical testing. Allele origin: germline.

NM_002900.3(RBP3):c.2621G>A (p.Gly874Glu)

Gene: RBP3 (retinol binding protein 3; plus strand). Cytogenetic location: 10q11.22.
Variant type: single nucleotide variant.
Coding change: c.2621G>A on transcript NM_002900.3 (MANE Select); coding-DNA position 2621, G replaced by A.
Protein change: p.Gly874Glu; replaces glycine 874 with glutamic acid.
Molecular consequence: missense variant.
Genome position (GRCh38, 1-based): chr10:47,351,105, G>A. VCF-style: chr10-47351105-G-A. GRCh37 (hg19) VCF-style: chr10-48388257-C-T.
Other names: c.2621G>A (NM_002900.2); short protein forms G874E.
Identifiers: ClinVar variation 1027122 (VCV001027122.9), dbSNP rs1474298507, ClinGen allele CA376673982.